The following is an entry in ClinVar:

ClinVar aggregate classification (germline): Uncertain significance (1 of 4 stars; one submission).

Conditions:
Familial cold autoinflammatory syndrome 3 (FCAS3). Also called: FAMILIAL ATYPICAL COLD URTICARIA; ANTIBODY DEFICIENCY AND IMMUNE DYSREGULATION, PLCG2-ASSOCIATED. Identifiers: Orphanet 300359, MedGen C3280914, MONDO:0013766, OMIM 614468.

Submission:

Labcorp Genetics (formerly Invitae), Labcorp
Classification: Uncertain significance for Familial cold autoinflammatory syndrome 3. Last evaluated: 2025-06-29. Review status: criteria provided, single submitter. Criteria: Invitae Variant Classification Sherloc (09022015). Collection method: clinical testing. Allele origin: germline.
Comment: This sequence change replaces serine, which is neutral and polar, with threonine, which is neutral and polar, at codon 325 of the PLCG2 protein (p.Ser325Thr). This variant is not present in population databases (gnomAD no frequency). This variant has not been reported in the literature in individuals affected with PLCG2-related conditions. ClinVar contains an entry for this variant (Variation ID: 3648342). An algorithm developed to predict the effect of missense changes on protein structure and function (PolyPhen-2) suggests that this variant is likely to be disruptive. In summary, the available evidence is currently insufficient to determine the role of this variant in disease. Therefore, it has been classified as a Variant of Uncertain Significance.

NM_002661.5(PLCG2):c.973T>A (p.Ser325Thr)

Gene: PLCG2 (phospholipase C gamma 2; plus strand). Cytogenetic location: 16q23.3.
Variant type: single nucleotide variant.
Coding change: c.973T>A on transcript NM_002661.5 (MANE Select); coding-DNA position 973, T replaced by A.
Protein change: p.Ser325Thr; replaces serine 325 with threonine.
Molecular consequence: missense variant.
Genome position (GRCh38, 1-based): chr16:81,891,577, T>A. VCF-style: chr16-81891577-T-A. GRCh37 (hg19) VCF-style: chr16-81925182-T-A.
Other names: c.973T>A, p.Ser325Thr (NM_001425749.1, NM_001425750.1, NM_001425751.1); short protein forms S325T.
Identifiers: ClinVar variation 3648342 (VCV003648342.2).